The following is an entry in ClinVar:

NM_001379081.2(FREM1):c.1289G>A (p.Arg430Gln)

Gene: FREM1 (FRAS1 related extracellular matrix 1; minus strand). Cytogenetic location: 9p22.3.
Variant type: single nucleotide variant.
Coding change: c.1289G>A on transcript NM_001379081.2 (MANE Select); coding-DNA position 1289, G replaced by A.
Protein change: p.Arg430Gln; replaces arginine 430 with glutamine.
Molecular consequence: missense variant. On other transcripts: non-coding transcript variant (2).
Genome position (GRCh38, 1-based): chr9:14,846,064, C>T on the plus strand (G>A on the coding strand, the complement: FREM1 is on the minus strand). VCF-style: chr9-14846064-C-T. GRCh37 (hg19) VCF-style: chr9-14846062-C-T.
Other names: c.1289G>A, p.Arg430Gln (NM_144966.7); short protein forms R430Q.
Identifiers: ClinVar variation 3041986 (VCV003041986.3), dbSNP rs572625460, ClinGen allele CA4991302.

ClinVar aggregate classification (germline): Likely benign. Review status: criteria provided, single submitter (1 of 4 stars). 2 submissions from 2 submitters: Likely benign (1). 1 of the submissions does not count toward it. Last evaluated 2025-05-26.

Conditions:
FREM1-related disorder. Also called: FREM1-Related Disorders; FREM1-related condition.

Allele frequency attached by ClinVar (database versions not stated): TOPMed 0.00004; gnomAD 0.00013; 1000 Genomes Project 30x 0.00078; 1000 Genomes Project 0.00080; ExAC 0.00109.

Submissions (2):

Labcorp Genetics (formerly Invitae), Labcorp
Classification: Likely benign. Last evaluated: 2025-05-26. Review status: criteria provided, single submitter. Criteria: Invitae Variant Classification Sherloc (09022015). Collection method: clinical testing. Allele origin: germline.

PreventionGenetics, part of Exact Sciences
Classification: Likely benign for FREM1-related condition. Last evaluated: 2022-02-21. Review status: no assertion criteria provided. Collection method: clinical testing. Allele origin: germline. Not counted in ClinVar's aggregate classification.
Comment: This variant is classified as likely benign based on ACMG/AMP sequence variant interpretation guidelines (Richards et al. 2015 PMID: 25741868, with internal and published modifications).